The following is an entry in ClinVar:

ClinVar aggregate classification (germline): Pathogenic (1 of 4 stars; one submission).

Conditions:
Joubert syndrome 21 (JBTS21). Identifiers: MedGen C3810212, MONDO:0014288, OMIM 615636.

Allele frequency attached by ClinVar (database versions not stated): ExAC 0.00001.
gnomAD v4.1: 6 of 1,613,310 alleles (0.00037%); highest among the groups gnomAD compares: South Asian, 0.0033%; no homozygotes.

Submission:

Labcorp Genetics (formerly Invitae), Labcorp
Classification: Pathogenic for Joubert syndrome 21. Last evaluated: 2024-05-27. Review status: criteria provided, single submitter. Criteria: Invitae Variant Classification Sherloc (09022015). Collection method: clinical testing. Allele origin: germline.
Comment: This sequence change creates a premature translational stop signal (p.Arg512*) in the CSPP1 gene. It is expected to result in an absent or disrupted protein product. Loss-of-function variants in CSPP1 are known to be pathogenic (PMID: 24360807, 24360808). This variant is present in population databases (rs756752153, gnomAD 0.003%). This variant has not been reported in the literature in individuals affected with CSPP1-related conditions. ClinVar contains an entry for this variant (Variation ID: 860634). For these reasons, this variant has been classified as Pathogenic.

Literature cited by the submitters: PubMed 24360807; PubMed 24360808.

NM_001382391.1(CSPP1):c.1549C>T (p.Arg517Ter)

Gene: CSPP1 (centrosome and spindle pole associated protein 1; plus strand). Cytogenetic location: 8q13.2.
Variant type: single nucleotide variant.
Coding change: c.1549C>T on transcript NM_001382391.1 (MANE Select); coding-DNA position 1549, C replaced by T.
Protein change: p.Arg517Ter; replaces arginine 517 with a stop codon.
Molecular consequence: nonsense.
Genome position (GRCh38, 1-based): chr8:67,118,300, C>T. VCF-style: chr8-67118300-C-T. GRCh37 (hg19) VCF-style: chr8-68030535-C-T.
Other names: c.1426C>T, p.Arg476Ter (NM_001363133.2); c.1615C>T, p.Arg539Ter (NM_001364869.1); c.1435C>T, p.Arg479Ter (NM_001364870.1); c.1534C>T, p.Arg512Ter (NM_024790.7); c.652C>T, p.Arg218Ter (NM_001291339.2); c.1468C>T, p.Arg490Ter (NM_001363131.2); c.1507C>T, p.Arg503Ter (NM_001363132.2); short protein forms R218*, R503*, R476*, R479*, R490*, R512*, R539*, R517*.
Identifiers: ClinVar variation 860634 (VCV000860634.9), dbSNP rs756752153, ClinGen allele CA4770572.